The following is an entry in ClinVar:

ClinVar aggregate classification (germline): Likely pathogenic (1 of 4 stars; one submission).

Conditions:
Hereditary cancer-predisposing syndrome. Also called: Hereditary Cancer Syndrome; Neoplastic Syndromes, Hereditary; Hereditary neoplastic syndrome; Tumor predisposition. Identifiers: Orphanet 140162, MedGen C0027672, MeSH D009386, MONDO:0015356.

Submission:

Ambry Genetics
Classification: Likely pathogenic for Hereditary cancer-predisposing syndrome. Last evaluated: 2024-07-25. Review status: criteria provided, single submitter. Criteria: Ambry Variant Classification Scheme 2023. Collection method: clinical testing. Allele origin: germline.
Comment: The c.67G>A variant (also known as p.G23R), located in coding exon 1 of the BMPR1A gene, results from a G to A substitution at nucleotide position 67. The amino acid change results in glycine to arginine at codon 23, an amino acid with dissimilar properties. However, this change occurs in the last base pair of coding exon 1, which makes it likely to have some effect on normal mRNA splicing. This variant has been observed in at least one individual with a personal and/or family history that is consistent with juvenile polyposis syndrome (Ambry internal data). This variant is considered to be rare based on population cohorts in the Genome Aggregation Database (gnomAD). This nucleotide position is highly conserved in available vertebrate species. In silico splice site analysis predicts that this alteration will weaken the native splice donor site; however, direct evidence is insufficient at this time (Ambry internal data). Based on the majority of available evidence to date, this variant is likely to be pathogenic.

NM_004329.3(BMPR1A):c.67G>A (p.Gly23Arg)

Gene: BMPR1A (bone morphogenetic protein receptor type 1A; plus strand). Cytogenetic location: 10q23.2.
Variant type: single nucleotide variant.
Coding change: c.67G>A on transcript NM_004329.3 (MANE Select); coding-DNA position 67, G replaced by A.
Protein change: p.Gly23Arg; replaces glycine 23 with arginine.
Molecular consequence: missense variant.
Genome position (GRCh38, 1-based): chr10:86,876,085, G>A. VCF-style: chr10-86876085-G-A. GRCh37 (hg19) VCF-style: chr10-88635842-G-A.
Other names: short protein forms G23R.
Identifiers: ClinVar variation 429091 (VCV000429091.4), dbSNP rs1131691171, ClinGen allele CA377774875.